The following is an entry in ClinVar:

NM_005188.4(CBL):c.1789A>G (p.Lys597Glu)

Gene: CBL (Cbl proto-oncogene; plus strand). Cytogenetic location: 11q23.3.
Variant type: single nucleotide variant.
Coding change: c.1789A>G on transcript NM_005188.4 (MANE Select); coding-DNA position 1789, A replaced by G.
Protein change: p.Lys597Glu; replaces lysine 597 with glutamic acid.
Molecular consequence: missense variant.
Genome position (GRCh38, 1-based): chr11:119,285,414, A>G. VCF-style: chr11-119285414-A-G. GRCh37 (hg19) VCF-style: chr11-119156124-A-G.
Other names: c.1789A>G (NM_005188.2); short protein forms K597E.
Identifiers: ClinVar variation 1390865 (VCV001390865.7), dbSNP rs1949976299, ClinGen allele CA382920359.

ClinVar aggregate classification (germline): Uncertain significance. Review status: criteria provided, multiple submitters, no conflicts (2 of 4 stars). 2 submissions from 2 submitters: Uncertain significance (2). Last evaluated 2025-05-27.

Conditions:
Cardiovascular phenotype. Identifiers: MedGen CN230736.
RASopathy. Also called: Noonan spectrum disorder; rasopathies. Identifiers: Orphanet 536391, MedGen C5555857, MONDO:0021060.

Submissions (2):

Ambry Genetics
Classification: Uncertain significance for Cardiovascular phenotype. Last evaluated: 2025-05-27. Review status: criteria provided, single submitter. Criteria: Ambry Variant Classification Scheme 2023. Collection method: clinical testing. Allele origin: germline.
Comment: The p.K597E variant (also known as c.1789A>G), located in coding exon 11 of the CBL gene, results from an A to G substitution at nucleotide position 1789. The lysine at codon 597 is replaced by glutamic acid, an amino acid with similar properties. This amino acid position is conserved. In addition, the in silico prediction for this alteration is inconclusive. Based on the available evidence, the clinical significance of this variant remains unclear.

Labcorp Genetics (formerly Invitae), Labcorp
Classification: Uncertain significance for RASopathy. Last evaluated: 2022-08-31. Review status: criteria provided, single submitter. Criteria: Invitae Variant Classification Sherloc (09022015). Collection method: clinical testing. Allele origin: germline.
Comment: In summary, the available evidence is currently insufficient to determine the role of this variant in disease. Therefore, it has been classified as a Variant of Uncertain Significance. Advanced modeling of protein sequence and biophysical properties (such as structural, functional, and spatial information, amino acid conservation, physicochemical variation, residue mobility, and thermodynamic stability) performed at Invitae indicates that this missense variant is not expected to disrupt CBL protein function. ClinVar contains an entry for this variant (Variation ID: 1390865). This variant has not been reported in the literature in individuals affected with CBL-related conditions. This variant is not present in population databases (gnomAD no frequency). This sequence change replaces lysine, which is basic and polar, with glutamic acid, which is acidic and polar, at codon 597 of the CBL protein (p.Lys597Glu).